The following is an entry in ClinVar:

NM_001330260.2(SCN8A):c.5114C>A (p.Ala1705Asp)

Gene: SCN8A (sodium voltage-gated channel alpha subunit 8; plus strand). Cytogenetic location: 12q13.13.
Variant type: single nucleotide variant.
Coding change: c.5114C>A on transcript NM_001330260.2 (MANE Select); coding-DNA position 5114, C replaced by A.
Protein change: p.Ala1705Asp; replaces alanine 1705 with aspartic acid.
Molecular consequence: missense variant.
Genome position (GRCh38, 1-based): chr12:51,806,600, C>A. VCF-style: chr12-51806600-C-A. GRCh37 (hg19) VCF-style: chr12-52200384-C-A.
Other names: c.4991C>A, p.Ala1664Asp (NM_001177984.3, NM_001369788.1); c.5114C>A, p.Ala1705Asp (NM_014191.4); short protein forms A1664D, A1705D.
Identifiers: ClinVar variation 4975160 (VCV004975160.1).

ClinVar aggregate classification (germline): Likely pathogenic (1 of 4 stars; one submission).

Submission:

GeneDx
Classification: Likely pathogenic. Last evaluated: 2026-01-29. Review status: criteria provided, single submitter. Criteria: GeneDx Variant Classification Process June 2021. Collection method: clinical testing. Allele origin: germline.
Comment: Not observed at significant frequency in large population cohorts (gnomAD); In silico analysis supports that this missense variant has a deleterious effect on protein structure/function; Has not been previously published as pathogenic or benign to our knowledge